The following is an entry in ClinVar:

ClinVar aggregate classification (germline): Uncertain significance (1 of 4 stars; one submission).

Conditions:
Cardiovascular phenotype. Identifiers: MedGen CN230736.

gnomAD v4.1: 4 of 1,613,994 alleles (0.00025%); highest among the groups gnomAD compares: African/African-American, 0.0027%; no homozygotes.

Submission:

Ambry Genetics
Classification: Uncertain significance for Cardiovascular phenotype. Last evaluated: 2026-09-01. Review status: criteria provided, single submitter. Criteria: Ambry Variant Classification Scheme 2023. Collection method: clinical testing. Allele origin: germline.
Comment: The p.F2712L variant (also known as c.8134T>C), located in coding exon 10 of the ALMS1 gene, results from a T to C substitution at nucleotide position 8134. The phenylalanine at codon 2712 is replaced by leucine, an amino acid with highly similar properties. This amino acid position is well conserved in available vertebrate species. In addition, this alteration is predicted to be tolerated by in silico analysis. Based on the available evidence, the clinical significance of this variant remains unclear.

NM_001378454.1(ALMS1):c.8131T>C (p.Phe2711Leu)

Gene: ALMS1 (ALMS1 centrosome and basal body associated protein; plus strand). Cytogenetic location: 2p13.1.
Variant type: single nucleotide variant.
Coding change: c.8131T>C on transcript NM_001378454.1 (MANE Select); coding-DNA position 8131, T replaced by C.
Protein change: p.Phe2711Leu; replaces phenylalanine 2711 with leucine.
Molecular consequence: missense variant.
Genome position (GRCh38, 1-based): chr2:73,490,090, T>C. VCF-style: chr2-73490090-T-C. GRCh37 (hg19) VCF-style: chr2-73717217-T-C.
Other names: c.8134T>C, p.Phe2712Leu (NM_015120.4); short protein forms F2711L, F2712L.
Identifiers: ClinVar variation 5035845 (VCV005035845.1).
Genomic context (GRCh38, chr2:73,490,090, plus strand): 5'-CCTAAAGAAGTGGATTTTCATTCTTCATCACAAATGCCGTCCCCAGAACCCATGAAAAAG[T>C]TTACTACCTCCATCACTTTTTCATCTCACCGACATTCTAAATGCATTTCCAATTCCTCTG-3'
Protein context (NP_001365383.1, residues 2701-2721): QMPSPEPMKK[Phe2711Leu]TTSITFSSHR